The following is an entry in ClinVar:

NM_000038.6(APC):c.4784C>T (p.Ala1595Val)

Gene: APC (APC regulator of Wnt signaling pathway; plus strand). Cytogenetic location: 5q22.2.
Variant type: single nucleotide variant.
Coding change: c.4784C>T on transcript NM_000038.6 (MANE Select); coding-DNA position 4784, C replaced by T.
Protein change: p.Ala1595Val; replaces alanine 1595 with valine.
Molecular consequence: missense variant.
Genome position (GRCh38, 1-based): chr5:112,840,378, C>T. VCF-style: chr5-112840378-C-T. GRCh37 (hg19) VCF-style: chr5-112176075-C-T.
Other names: c.4784C>T, p.Ala1595Val (NM_001127510.3, NM_001354895.2, NM_001407450.1); c.4730C>T, p.Ala1577Val (NM_001127511.3); c.4838C>T, p.Ala1613Val (NM_001354896.2, NM_001407447.1, NM_001407448.1 and 1 more transcripts); c.4814C>T, p.Ala1605Val (NM_001354897.2); c.4709C>T, p.Ala1570Val (NM_001354898.2); c.4700C>T, p.Ala1567Val (NM_001354899.2); c.4661C>T, p.Ala1554Val (NM_001354900.2); c.4607C>T, p.Ala1536Val (NM_001354901.2, NM_001407453.1); and 11 more; short protein forms A1536V, A1588V, A1595V, A1605V, A1312V, A1435V, A1494V, A1554V.
Identifiers: ClinVar variation 1965663 (VCV001965663.5), dbSNP rs2149923678, ClinGen allele CA16031818.

ClinVar aggregate classification (germline): Uncertain significance (1 of 4 stars; one submission).

Conditions:
Familial adenomatous polyposis 1 (FAP1). Also called: POLYPOSIS, ADENOMATOUS INTESTINAL; FAMILIAL ADENOMATOUS POLYPOSIS 1, ATTENUATED. Identifiers: MedGen C2713442, MONDO:0021056, OMIM 175100. Disease mechanism: loss of function.

Submission:

Labcorp Genetics (formerly Invitae), Labcorp
Classification: Uncertain significance for Familial adenomatous polyposis 1. Last evaluated: 2024-01-08. Review status: criteria provided, single submitter. Criteria: Invitae Variant Classification Sherloc (09022015). Collection method: clinical testing. Allele origin: germline.
Comment: This sequence change replaces alanine, which is neutral and non-polar, with valine, which is neutral and non-polar, at codon 1595 of the APC protein (p.Ala1595Val). This variant is not present in population databases (gnomAD no frequency). This variant has not been reported in the literature in individuals affected with APC-related conditions. ClinVar contains an entry for this variant (Variation ID: 1965663). Advanced modeling of protein sequence and biophysical properties (such as structural, functional, and spatial information, amino acid conservation, physicochemical variation, residue mobility, and thermodynamic stability) performed at Invitae indicates that this missense variant is not expected to disrupt APC protein function with a negative predictive value of 95%. In summary, the available evidence is currently insufficient to determine the role of this variant in disease. Therefore, it has been classified as a Variant of Uncertain Significance.